The following is an entry in ClinVar:

NM_001369.3(DNAH5):c.6991G>C (p.Glu2331Gln)

Gene: DNAH5 (dynein axonemal heavy chain 5; minus strand). Cytogenetic location: 5p15.2.
Variant type: single nucleotide variant.
Coding change: c.6991G>C on transcript NM_001369.3 (MANE Select); coding-DNA position 6991, G replaced by C.
Protein change: p.Glu2331Gln; replaces glutamic acid 2331 with glutamine.
Molecular consequence: missense variant.
Genome position (GRCh38, 1-based): chr5:13,814,844, C>G on the plus strand (G>C on the coding strand, the complement: DNAH5 is on the minus strand). VCF-style: chr5-13814844-C-G. GRCh37 (hg19) VCF-style: chr5-13814953-C-G.
Other names: short protein forms E2331Q.
Identifiers: ClinVar variation 664581 (VCV000664581.7), dbSNP rs1349321210, ClinGen allele CA359191447.

ClinVar aggregate classification (germline): Uncertain significance. Review status: criteria provided, single submitter (1 of 4 stars). 2 submissions from 2 submitters: Uncertain significance (1). 1 of the submissions does not count toward it. Last evaluated 2022-07-12.

Conditions:
Primary ciliary dyskinesia. Also called: Ciliary dyskinesia. Identifiers: Orphanet 244, MedGen C0008780, MONDO:0016575, HP:0012265.

Allele frequency attached by ClinVar (database versions not stated): TOPMed below 0.00001; gnomAD 0.00001.
gnomAD v4.1: 5 of 1,613,510 alleles (0.00031%); highest among the groups gnomAD compares: Non-Finnish European, 0.00042%; no homozygotes.

Submissions (2):

Labcorp Genetics (formerly Invitae), Labcorp
Classification: Uncertain significance for Primary ciliary dyskinesia. Last evaluated: 2022-07-12. Review status: criteria provided, single submitter. Criteria: Invitae Variant Classification Sherloc (09022015). Collection method: clinical testing. Allele origin: germline.
Comment: This sequence change replaces glutamic acid, which is acidic and polar, with glutamine, which is neutral and polar, at codon 2331 of the DNAH5 protein (p.Glu2331Gln). This variant is not present in population databases (gnomAD no frequency). This variant has not been reported in the literature in individuals affected with DNAH5-related conditions. ClinVar contains an entry for this variant (Variation ID: 664581). Algorithms developed to predict the effect of missense changes on protein structure and function are either unavailable or do not agree on the potential impact of this missense change (SIFT: "Deleterious"; PolyPhen-2: "Possibly Damaging"; Align-GVGD: "Class C0"). In summary, the available evidence is currently insufficient to determine the role of this variant in disease. Therefore, it has been classified as a Variant of Uncertain Significance.

Natera, Inc.
Classification: Uncertain significance for Primary ciliary dyskinesia. Last evaluated: 2020-03-08. Review status: no assertion criteria provided. Collection method: clinical testing. Allele origin: germline. Not counted in ClinVar's aggregate classification.